The following is an entry in ClinVar:

NM_007294.4(BRCA1):c.5152+4A>G

Gene: BRCA1 (BRCA1 DNA repair associated; minus strand). Cytogenetic location: 17q21.31.
Variant type: single nucleotide variant.
Coding change: c.5152+4A>G on transcript NM_007294.4 (MANE Select); 4 bases into the intron after coding-DNA position 5152, A replaced by G.
Molecular consequence: intron variant.
Genome position (GRCh38, 1-based): chr17:43,063,870, T>C on the plus strand (A>G on the coding strand, the complement: BRCA1 is on the minus strand). VCF-style: chr17-43063870-T-C. GRCh37 (hg19) VCF-style: chr17-41215887-T-C.
Other names: c.5011+4A>G (NM_001407692.1, NM_001407729.1, NM_001407698.1 and 13 more transcripts); c.4768+4A>G (NM_001407960.1, NM_001407962.1); c.1573+4A>G (NM_001408505.1); c.4690+4A>G (NM_001407964.1); c.5005+4A>G (NM_001407844.1, NM_001407851.1, NM_001407849.1 and 12 more transcripts); c.5008+4A>G (NM_001407743.1, NM_001407735.1, NM_001407744.1 and 21 more transcripts); c.4882+4A>G (NM_001407935.1, NM_001407936.1, NM_001407934.1); c.4888+4A>G (NM_001407926.1, NM_001407924.1, NM_001407920.1 and 4 more transcripts); and 73 more.
Identifiers: ClinVar variation 55426 (VCV000055426.13), dbSNP rs397509232, ClinGen allele CA003287.

ClinVar aggregate classification (germline): Pathogenic/Likely pathogenic. Review status: criteria provided, multiple submitters, no conflicts (2 of 4 stars). 5 submissions from 5 submitters: Pathogenic (1); Likely pathogenic (2). 2 of the submissions do not count toward it. Last evaluated 2026-05-01.

Conditions:
Hereditary cancer-predisposing syndrome. Also called: Hereditary Cancer Syndrome; Hereditary neoplastic syndrome; Neoplastic Syndromes, Hereditary; Tumor predisposition. Identifiers: Orphanet 140162, MedGen C0027672, MeSH D009386, MONDO:0015356.
Familial cancer of breast. Also called: hereditary breast carcinoma; BREAST CANCER, FAMILIAL; Hereditary breast cancer. Identifiers: Orphanet 227535, MedGen C0346153, MONDO:0016419, OMIM 114480. Disease mechanism: loss of function.
Hereditary breast ovarian cancer syndrome. Also called: BRCA1- and BRCA2-Associated Hereditary Breast and Ovarian Cancer; Hereditary breast and ovarian cancer syndrome; Hereditary breast and ovarian cancer syndrome (HBOC); Breast and ovarian cancer; Hereditary breast and/or ovarian cancer syndrome; Hereditary breast and ovarian cancer. Identifiers: Orphanet 145, MedGen C0677776, MeSH D061325, MONDO:0003582. Disease mechanism: loss of function.
Breast-ovarian cancer, familial, susceptibility to, 1 (BROVCA1). Also called: BRCA1 Hereditary Breast and Ovarian Cancer; OVARIAN CANCER, SUSCEPTIBILITY TO. Identifiers: Orphanet 145, MedGen C2676676, MONDO:0011450, OMIM 604370. Disease mechanism: loss of function.

Allele frequency attached by ClinVar (database versions not stated): gnomAD exomes below 0.00001.

Submissions (6):

Ambry Genetics
Classification: Likely pathogenic for Hereditary cancer-predisposing syndrome. Last evaluated: 2026-05-01. Review status: criteria provided, single submitter. Criteria: Ambry Variant Classification Scheme 2023. Collection method: clinical testing. Allele origin: germline.
Comment: The c.5152+4A>G intronic variant results from an A to G substitution 4 nucleotides after coding exon 16 in the BRCA1 gene. This alteration has been reported in the literature in individuals affected with suspected hereditary breast and/or ovarian cancers (Evans DG et al. J Med Genet, 2003 Sep;40:e107; Frugtniet B et al. BJOG, 2022 02;129:433-442; Evans DG et al. J Med Genet, 2022 02;59:115-121). One functional study found that this nucleotide substitution is non-functional in a high-throughput, genome editing, haploid cell survival assay (Findlay GM et al. Nature, 2018 10;562:217-222). This variant is considered to be rare based on population cohorts in the Genome Aggregation Database (gnomAD). This nucleotide position is highly conserved in available vertebrate species. In silico splice site analysis predicts that this alteration will weaken the native splice donor site. RNA studies have demonstrated that this variant results in abnormal splicing in the set of samples tested (Ambry internal data). Based on the majority of available evidence to date, this variant is likely to be pathogenic.

Labcorp Genetics (formerly Invitae), Labcorp
Classification: Likely pathogenic for Hereditary breast ovarian cancer syndrome. Last evaluated: 2025-11-05. Review status: criteria provided, single submitter. Criteria: Invitae Variant Classification Sherloc (09022015). Collection method: clinical testing. Allele origin: germline.
Comment: This sequence change falls in intron 17 of the BRCA1 gene. It does not directly change the encoded amino acid sequence of the BRCA1 protein. RNA analysis indicates that this variant induces altered splicing and may result in an absent or altered protein product. This variant is not present in population databases (gnomAD no frequency). This variant has been observed in individual(s) with breast and/or ovarian cancer (PMID: 12960223, 33758026, 34657373). ClinVar contains an entry for this variant (Variation ID: 55426). Variants that disrupt the consensus splice site are a relatively common cause of aberrant splicing (PMID: 17576681, 9536098). Studies have shown that this variant results in skipping of exon 17, and produces a non-functional protein and/or introduces a premature termination codon (internal data). In summary, the currently available evidence indicates that the variant is pathogenic, but additional data are needed to prove that conclusively. Therefore, this variant has been classified as Likely Pathogenic.

Clinical Genetics and Genomics, Karolinska University Hospital
Classification: Pathogenic for Breast-ovarian cancer, familial, susceptibility to, 1. Last evaluated: 2025-02-12. Review status: criteria provided, single submitter. Criteria: ACMG Guidelines, 2015. Collection method: clinical testing. Allele origin: germline. Inheritance: Autosomal dominant inheritance. Affected: yes.
Comment: RNA analysis shows "exon skipping" of exon 18, and deletion of 78 nucleotides in the cDNA. That leads to deletion of 26 amino acids and shorter protein.

Brotman Baty Institute, University of Washington
No classification provided (evidence only). Condition: Breast-ovarian cancer, familial 1. Review status: no classification provided. Collection method: in vitro. Allele origin: not applicable. Functional consequence: functionally_abnormal. Not counted in ClinVar's aggregate classification.
ClinVar note: "not provided" was previously submitted as the classification for the variant. However, the classification appeared to be based only on an observation of functional data so it was converted to no classification on 2025-07-30.

ClinVar Staff, National Center for Biotechnology Information (NCBI)
No classification provided. Condition: Familial cancer of breast. Review status: no classification provided. Collection method: literature only. Allele origin: germline. Affected: yes. Not counted in ClinVar's aggregate classification.

Baylor Genetics
Classification: Uncertain significance for Breast-ovarian cancer, familial, susceptibility to, 1. Last evaluated: 2023-04-17. Review status: flagged submission. Criteria: ACMG Guidelines, 2015. Collection method: clinical testing. Allele origin: unknown. Not counted in ClinVar's aggregate classification.
ClinVar note: Reason: Outlier claim with insufficient supporting evidence

Literature cited by the submitters: PubMed 12960223 (cited by 3 submitters); PubMed 30209399 (cited by Ambry Genetics); PubMed 33758026 (cited by Ambry Genetics and Labcorp Genetics (formerly Invitae), Labcorp); PubMed 34657373 (cited by Ambry Genetics and Labcorp Genetics (formerly Invitae), Labcorp); PubMed 17576681 (cited by Labcorp Genetics (formerly Invitae), Labcorp); PubMed 9536098 (cited by Labcorp Genetics (formerly Invitae), Labcorp).